The following is an entry in ClinVar:

ClinVar aggregate classification (germline): Uncertain significance. Review status: criteria provided, multiple submitters, no conflicts (2 of 4 stars). 2 submissions from 2 submitters: Uncertain significance (2). Last evaluated 2022-05-22.

Conditions:
Peripheral neuropathy, autosomal recessive, with or without impaired intellectual development. Identifiers: MedGen C4748283, MONDO:0029131, OMIM 618124.

Allele frequency attached by ClinVar (database versions not stated): ExAC 0.00007; TOPMed 0.00007; gnomAD exomes 0.00009 and 0.00005; gnomAD 0.00005 and 0.00006.
gnomAD v4.1: 88 of 1,614,118 alleles (0.0055%); highest among the groups gnomAD compares: Non-Finnish European, 0.00085%; no homozygotes.

Submissions (2):

Labcorp Genetics (formerly Invitae), Labcorp
Classification: Uncertain significance. Last evaluated: 2022-05-22. Review status: criteria provided, single submitter. Criteria: Invitae Variant Classification Sherloc (09022015). Collection method: clinical testing. Allele origin: germline.
Comment: This sequence change replaces tryptophan, which is neutral and slightly polar, with leucine, which is neutral and non-polar, at codon 1741 of the MCM3AP protein (p.Trp1741Leu). This variant is present in population databases (rs749110545, gnomAD 0.2%). This variant has not been reported in the literature in individuals affected with MCM3AP-related conditions. ClinVar contains an entry for this variant (Variation ID: 1028173). Algorithms developed to predict the effect of missense changes on protein structure and function (SIFT, PolyPhen-2, Align-GVGD) all suggest that this variant is likely to be disruptive. In summary, the available evidence is currently insufficient to determine the role of this variant in disease. Therefore, it has been classified as a Variant of Uncertain Significance.

Baylor Genetics
Classification: Uncertain significance for Peripheral neuropathy, autosomal recessive, with or without impaired intellectual development. Last evaluated: 2019-07-31. Review status: criteria provided, single submitter. Criteria: ACMG Guidelines, 2015. Collection method: clinical testing. Allele origin: unknown. Affected: yes.
Comment: This variant was determined to be of uncertain significance according to ACMG Guidelines, 2015 [PMID:25741868].

NM_003906.5(MCM3AP):c.5222G>T (p.Trp1741Leu)

Genes: MCM3AP (minichromosome maintenance complex component 3 associated protein; minus strand), MCM3AP-AS1 (MCM3AP antisense RNA 1; plus strand). Cytogenetic location: 21q22.3.
Variant type: single nucleotide variant.
Coding change: c.5222G>T on transcript NM_003906.5 (MANE Select); coding-DNA position 5222, G replaced by T.
Protein change: p.Trp1741Leu; replaces tryptophan 1741 with leucine.
Molecular consequence: missense variant.
Genome position (GRCh38, 1-based): chr21:46,243,539, C>A on the plus strand (G>T on the coding strand, the complement: MCM3AP is on the minus strand). VCF-style: chr21-46243539-C-A. GRCh37 (hg19) VCF-style: chr21-47663453-C-A.
Other names: short protein forms W1741L.
Identifiers: ClinVar variation 1028173 (VCV001028173.3), dbSNP rs749110545, ClinGen allele CA10075927.